The following is an entry in ClinVar:

ClinVar aggregate classification (germline): Uncertain significance. Review status: criteria provided, multiple submitters, no conflicts (2 of 4 stars). 2 submissions from 2 submitters: Uncertain significance (2). Last evaluated 2025-11-03.

Conditions:
Autosomal recessive limb-girdle muscular dystrophy type 2W (MDRCMTT). Also called: Muscular dystrophy, limb-girdle, type 2W; Muscular dystrophy, autosomal recessive, with cardiomyopathy and triangular tongue. Identifiers: MedGen C4225192, MONDO:0014788, OMIM 616827.

Allele frequency attached by ClinVar (database versions not stated): ESP Exome Variant Server 0.00015; gnomAD 0.00017 and 0.00018; TOPMed 0.00022; 1000 Genomes Project 30x 0.00047; 1000 Genomes Project 0.00060; gnomAD exomes 0.00002 and 0.00006; ExAC 0.00006.

Submissions (2):

Labcorp Genetics (formerly Invitae), Labcorp
Classification: Uncertain significance for Autosomal recessive limb-girdle muscular dystrophy type 2W. Last evaluated: 2025-11-03. Review status: criteria provided, single submitter. Criteria: Invitae Variant Classification Sherloc (09022015). Collection method: clinical testing. Allele origin: germline.
Comment: This sequence change replaces glycine, which is neutral and non-polar, with serine, which is neutral and polar, at codon 229 of the LIMS2 protein (p.Gly229Ser). This variant is present in population databases (rs141505120, gnomAD 0.09%), and has an allele count higher than expected for a pathogenic variant. This variant has not been reported in the literature in individuals affected with LIMS2-related conditions. ClinVar contains an entry for this variant (Variation ID: 566596). Invitae Evidence Modeling of protein sequence and biophysical properties (such as structural, functional, and spatial information, amino acid conservation, physicochemical variation, residue mobility, and thermodynamic stability) indicates that this missense variant is not expected to disrupt LIMS2 protein function with a negative predictive value of 80%. In summary, the available evidence is currently insufficient to determine the role of this variant in disease. Therefore, it has been classified as a Variant of Uncertain Significance.

Revvity Omics, Revvity
Classification: Uncertain significance for Autosomal recessive limb-girdle muscular dystrophy type 2W. Last evaluated: 2023-05-15. Review status: criteria provided, single submitter. Criteria: ACMG Guidelines, 2015. Collection method: clinical testing. Allele origin: germline.

NM_001161403.3(LIMS2):c.619G>A (p.Gly207Ser)

Gene: LIMS2 (LIM zinc finger domain containing 2; minus strand). Cytogenetic location: 2q14.3.
Variant type: single nucleotide variant.
Coding change: c.619G>A on transcript NM_001161403.3 (MANE Select); coding-DNA position 619, G replaced by A.
Protein change: p.Gly207Ser; replaces glycine 207 with serine.
Molecular consequence: missense variant.
Genome position (GRCh38, 1-based): chr2:127,642,090, C>T on the plus strand (G>A on the coding strand, the complement: LIMS2 is on the minus strand). VCF-style: chr2-127642090-C-T. GRCh37 (hg19) VCF-style: chr2-128399665-C-T.
Other names: c.685G>A (NM_001136037.3); c.685G>A, p.Gly229Ser (NM_001136037.4); c.604G>A, p.Gly202Ser (NM_001161404.2); c.163G>A, p.Gly55Ser (NM_001256542.2); c.691G>A, p.Gly231Ser (NM_017980.5); short protein forms G202S, G231S, G229S, G207S, G55S.
Identifiers: ClinVar variation 566596 (VCV000566596.11), dbSNP rs141505120, ClinGen allele CA1862986.